The following is an entry in ClinVar:

NM_004100.5(EYA4):c.706T>C (p.Tyr236His)

Gene: EYA4 (EYA transcriptional coactivator and phosphatase 4; plus strand). Cytogenetic location: 6q23.2.
Variant type: single nucleotide variant.
Coding change: c.706T>C on transcript NM_004100.5 (MANE Select); coding-DNA position 706, T replaced by C.
Protein change: p.Tyr236His; replaces tyrosine 236 with histidine.
Molecular consequence: missense variant.
Genome position (GRCh38, 1-based): chr6:133,462,746, T>C. VCF-style: chr6-133462746-T-C. GRCh37 (hg19) VCF-style: chr6-133783884-T-C.
Other names: c.544T>C, p.Tyr182His (NM_001301012.2, NM_001370459.1); c.706T>C, p.Tyr236His (NM_001301013.2, NM_172105.4); c.637T>C, p.Tyr213His (NM_001370458.1, NM_172103.4); short protein forms Y182H, Y213H, Y236H.
Identifiers: ClinVar variation 2048709 (VCV002048709.4), dbSNP rs1794511758, ClinGen allele CA365699687.

ClinVar aggregate classification (germline): Uncertain significance (1 of 4 stars; one submission).

Conditions:
Dilated cardiomyopathy 1J (CMD1J). Also called: CARDIOMYOPATHY, DILATED, WITH SENSORINEURAL HEARING LOSS, AUTOSOMAL DOMINANT. Identifiers: Orphanet 217622, MedGen C1854368, MONDO:0011541, OMIM 605362.

Allele frequency attached by ClinVar (database versions not stated): gnomAD exomes below 0.00001; TOPMed below 0.00001.
gnomAD v4.1: 4 of 1,613,898 alleles (0.00025%); highest among the groups gnomAD compares: Non-Finnish European, 0.00034%; no homozygotes.

Submission:

Labcorp Genetics (formerly Invitae), Labcorp
Classification: Uncertain significance for Dilated cardiomyopathy 1J. Last evaluated: 2025-04-23. Review status: criteria provided, single submitter. Criteria: Invitae Variant Classification Sherloc (09022015). Collection method: clinical testing. Allele origin: germline.
Comment: This sequence change replaces tyrosine, which is neutral and polar, with histidine, which is basic and polar, at codon 236 of the EYA4 protein (p.Tyr236His). This variant is not present in population databases (gnomAD no frequency). This variant has not been reported in the literature in individuals affected with EYA4-related conditions. ClinVar contains an entry for this variant (Variation ID: 2048709). Invitae Evidence Modeling of protein sequence and biophysical properties (such as structural, functional, and spatial information, amino acid conservation, physicochemical variation, residue mobility, and thermodynamic stability) indicates that this missense variant is not expected to disrupt EYA4 protein function with a negative predictive value of 80%. In summary, the available evidence is currently insufficient to determine the role of this variant in disease. Therefore, it has been classified as a Variant of Uncertain Significance.